The following is an entry in ClinVar:

ClinVar aggregate classification (germline): Uncertain significance (1 of 4 stars; one submission).

Submission:

Labcorp Genetics (formerly Invitae), Labcorp
Classification: Uncertain significance. Last evaluated: 2022-04-23. Review status: criteria provided, single submitter. Criteria: Invitae Variant Classification Sherloc (09022015). Collection method: clinical testing. Allele origin: germline.
Comment: This variant is a gross deletion of the genomic region encompassing exon(s) 18 of the ADGRE2 gene. This deletion is out-of-frame, and is expected to create a premature translational stop signal and result in an absent or disrupted protein product. However, the current clinical and genetic evidence is not sufficient to establish whether loss-of-function variants in ADGRE2 cause disease. This variant has not been reported in the literature in individuals affected with ADGRE2-related conditions. In summary, the available evidence is currently insufficient to determine the role of this variant in disease. Therefore, it has been classified as a Variant of Uncertain Significance.

NC_000019.9:g.(?_14857024)_(14857155_?)del

Gene: ADGRE2 (adhesion G protein-coupled receptor E2; minus strand). Cytogenetic location: 19p13.12.
Variant type: Deletion.
Identifiers: ClinVar variation 2425870 (VCV002425870.4).